The following is an entry in ClinVar:

ClinVar aggregate classification (germline): Uncertain significance (1 of 4 stars; one submission).

Conditions:
DHX30-related disorder. Also called: DHX30-related condition.

Submission:

PreventionGenetics, part of Exact Sciences
Classification: Uncertain significance for DHX30-related condition. Last evaluated: 2023-09-29. Review status: criteria provided, single submitter. Criteria: ACMG Guidelines, 2015. Collection method: clinical testing. Allele origin: germline.
Comment: The DHX30 c.673A>T variant is predicted to result in the amino acid substitution p.Ser225Cys. To our knowledge, this variant has not been reported in the literature or in a large population database, indicating this variant is rare. At this time, the clinical significance of this variant is uncertain due to the absence of conclusive functional and genetic evidence.

NM_138615.3(DHX30):c.673A>T (p.Ser225Cys)

Gene: DHX30 (DExH-box helicase 30; plus strand). Cytogenetic location: 3p21.31.
Variant type: single nucleotide variant.
Coding change: c.673A>T on transcript NM_138615.3 (MANE Select); coding-DNA position 673, A replaced by T.
Protein change: p.Ser225Cys; replaces serine 225 with cysteine.
Molecular consequence: missense variant.
Genome position (GRCh38, 1-based): chr3:47,841,621, A>T. VCF-style: chr3-47841621-A-T. GRCh37 (hg19) VCF-style: chr3-47883111-A-T.
Other names: c.589A>T, p.Ser197Cys (NM_001330990.2); c.556A>T, p.Ser186Cys (NM_014966.4); short protein forms S186C, S197C, S225C.
Identifiers: ClinVar variation 2631144 (VCV002631144.1), dbSNP rs2549284657, ClinGen allele CA352584546.